The following is an entry in ClinVar:

NM_001165963.4(SCN1A):c.4433T>G (p.Phe1478Cys)

Genes: SCN1A (sodium voltage-gated channel alpha subunit 1; minus strand), LOC102724058 (uncharacterized LOC102724058; plus strand). Cytogenetic location: 2q24.3.
Variant type: single nucleotide variant.
Coding change: c.4433T>G on transcript NM_001165963.4 (MANE Select); coding-DNA position 4433, T replaced by G.
Protein change: p.Phe1478Cys; replaces phenylalanine 1478 with cysteine.
Molecular consequence: missense variant. On other transcripts: non-coding transcript variant (1).
Genome position (GRCh38, 1-based): chr2:165,998,081, A>C on the plus strand (T>G on the coding strand, the complement: SCN1A is on the minus strand). VCF-style: chr2-165998081-A-C. GRCh37 (hg19) VCF-style: chr2-166854591-A-C.
Other names: c.4349T>G, p.Phe1450Cys (NM_001165964.3, NM_001353957.2, NM_001353958.2); c.4433T>G, p.Phe1478Cys (NM_001202435.3, NM_001353948.2); c.4400T>G, p.Phe1467Cys (NM_001353949.2, NM_001353950.2, NM_001353951.2 and 2 more transcripts); c.4397T>G, p.Phe1466Cys (NM_001353954.2, NM_001353955.2); c.4346T>G, p.Phe1449Cys (NM_001353960.2); c.1991T>G, p.Phe664Cys (NM_001353961.2); short protein forms F1449C, F1450C, F1466C, F1467C, F1478C, F664C.
Identifiers: ClinVar variation 1302965 (VCV001302965.2), dbSNP rs2105475961, ClinGen allele CA349049293.

ClinVar aggregate classification (germline): Uncertain significance (1 of 4 stars; one submission).

Submission:

GeneDx
Classification: Uncertain significance. Last evaluated: 2021-02-24. Review status: criteria provided, single submitter. Criteria: GeneDx Variant Classification Process June 2021. Collection method: clinical testing. Allele origin: germline. Affected: yes.
Comment: Not observed in large population cohorts (Lek et al., 2016); Missense variants in this gene are often considered pathogenic (Stenson et al., 2014); In silico analysis supports that this missense variant has a deleterious effect on protein structure/function; In-silico analysis, which includes splice predictors and evolutionary conservation, is inconclusive as to whether the variant alters gene splicing. In the absence of RNA/functional studies, the actual effect of this sequence change is unknown.; This variant is associated with the following publications: (PMID: 29655203)